The following is an entry in ClinVar:

NM_001377229.1(DISP1):c.2119G>A (p.Glu707Lys)

Gene: DISP1 (dispatched RND transporter family member 1; plus strand). Cytogenetic location: 1q41.
Variant type: single nucleotide variant.
Coding change: c.2119G>A on transcript NM_001377229.1 (MANE Select); coding-DNA position 2119, G replaced by A.
Protein change: p.Glu707Lys; replaces glutamic acid 707 with lysine.
Molecular consequence: missense variant.
Genome position (GRCh38, 1-based): chr1:223,003,516, G>A. VCF-style: chr1-223003516-G-A. GRCh37 (hg19) VCF-style: chr1-223176858-G-A.
Other names: c.1390G>A, p.Glu464Lys (NM_001350630.2); c.2119G>A, p.Glu707Lys (NM_001369594.1, NM_001377228.1, NM_032890.5); short protein forms E464K, E707K.
Identifiers: ClinVar variation 2041501 (VCV002041501.5), dbSNP rs369580331, ClinGen allele CA1409191.
Genomic context (GRCh38, chr1:223,003,516, plus strand): 5'-GCTTGCCAGAAGTGCCACAAAGTACTCTTTGCCATTTCAGAAGCATCTCGAATTTTTTTC[G>A]AAAAAGTATTGCCATGCATTGTCATTAAGTTTCGCTACCTTTGGCTGTTTTGGTTCCTTG-3'
Protein context (NP_001364158.1, residues 697-717): AISEASRIFF[Glu707Lys]KVLPCIVIKF

ClinVar aggregate classification (germline): Uncertain significance. Review status: criteria provided, multiple submitters, no conflicts (2 of 4 stars). 2 submissions from 2 submitters: Uncertain significance (2). Last evaluated 2024-12-09.

Allele frequency attached by ClinVar (database versions not stated): ESP Exome Variant Server 0.00031; ExAC 0.00017; gnomAD 0.00029; gnomAD exomes 0.00030; TOPMed 0.00025.
gnomAD v4.1: 475 of 1,613,786 alleles (0.029%); highest among the groups gnomAD compares: Admixed American, 0.08%; no homozygotes.

Submissions (2):

Labcorp Genetics (formerly Invitae), Labcorp
Classification: Uncertain significance. Last evaluated: 2024-12-09. Review status: criteria provided, single submitter. Criteria: Invitae Variant Classification Sherloc (09022015). Collection method: clinical testing. Allele origin: germline.
Comment: This sequence change replaces glutamic acid, which is acidic and polar, with lysine, which is basic and polar, at codon 707 of the DISP1 protein (p.Glu707Lys). This variant is present in population databases (rs369580331, gnomAD 0.05%). This variant has not been reported in the literature in individuals affected with DISP1-related conditions. ClinVar contains an entry for this variant (Variation ID: 2041501). An algorithm developed to predict the effect of missense changes on protein structure and function (PolyPhen-2) suggests that this variant is likely to be disruptive. In summary, the available evidence is currently insufficient to determine the role of this variant in disease. Therefore, it has been classified as a Variant of Uncertain Significance.

Ambry Genetics
Classification: Uncertain significance. Last evaluated: 2022-11-17. Review status: criteria provided, single submitter. Criteria: Ambry Variant Classification Scheme 2023. Collection method: clinical testing. Allele origin: germline.